The following is an entry in ClinVar:

NM_001035.3(RYR2):c.10327G>C (p.Ala3443Pro)

Gene: RYR2 (ryanodine receptor 2; plus strand). Cytogenetic location: 1q43.
Variant type: single nucleotide variant.
Coding change: c.10327G>C on transcript NM_001035.3 (MANE Select); coding-DNA position 10327, G replaced by C.
Protein change: p.Ala3443Pro; replaces alanine 3443 with proline.
Molecular consequence: missense variant.
Genome position (GRCh38, 1-based): chr1:237,717,201, G>C. VCF-style: chr1-237717201-G-C. GRCh37 (hg19) VCF-style: chr1-237880501-G-C.
Other names: short protein forms A3443P.
Identifiers: ClinVar variation 5028672 (VCV005028672.1).

ClinVar aggregate classification (germline): Uncertain significance (1 of 4 stars; one submission).

Conditions:
Cardiovascular phenotype. Identifiers: MedGen CN230736.

gnomAD v4.1: 8 of 1,613,178 alleles (0.0005%); highest among the groups gnomAD compares: Non-Finnish European, 0.00068%; no homozygotes.

Submission:

Ambry Genetics
Classification: Uncertain significance for Cardiovascular phenotype. Last evaluated: 2026-07-06. Review status: criteria provided, single submitter. Criteria: Ambry Variant Classification Scheme 2023. Collection method: clinical testing. Allele origin: germline.
Comment: The p.A3443P variant (also known as c.10327G>C), located in coding exon 72 of the RYR2 gene, results from a G to C substitution at nucleotide position 10327. The alanine at codon 3443 is replaced by proline, an amino acid with highly similar properties. This amino acid position is conserved. In addition, the in silico prediction for this alteration is inconclusive. Based on the available evidence, the clinical significance of this variant remains unclear.